The following is an entry in ClinVar:

ClinVar aggregate classification (germline): Uncertain significance. Review status: criteria provided, multiple submitters, no conflicts (2 of 4 stars). 4 submissions from 4 submitters: Uncertain significance (4). Last evaluated 2025-01-13.

Conditions:
Dyskeratosis congenita, autosomal recessive 5 (DKCB5). Identifiers: MedGen C3554656, MONDO:0014076, OMIM 615190.
Pulmonary fibrosis and/or bone marrow failure, Telomere-related, 3. Also called: PULMONARY FIBROSIS AND/OR BONE MARROW FAILURE SYNDROME, TELOMERE-RELATED, 3. Identifiers: Orphanet 2032, MedGen C4225346, MONDO:0014613, OMIM 616373.
Inborn genetic diseases. Identifiers: MedGen C0950123, MeSH D030342.

gnomAD v4.1: 5 of 1,613,352 alleles (0.00031%); highest among the groups gnomAD compares: South Asian, 0.0011%; no homozygotes.

Submissions (4):

Ambry Genetics
Classification: Uncertain significance for Inborn genetic diseases. Last evaluated: 2025-01-13. Review status: criteria provided, single submitter. Criteria: Ambry Variant Classification Scheme 2023. Collection method: clinical testing. Allele origin: germline.
Comment: The p.R132W variant (also known as c.394C>T), located in coding exon 3 of the RTEL1 gene, results from a C to T substitution at nucleotide position 394. The arginine at codon 132 is replaced by tryptophan, an amino acid with dissimilar properties. This amino acid position is conserved. In addition, the in silico prediction for this alteration is inconclusive. Based on the available evidence, the clinical significance of this variant remains unclear.

Labcorp Genetics (formerly Invitae), Labcorp
Classification: Uncertain significance for Dyskeratosis congenita, autosomal recessive 5; Pulmonary fibrosis and/or bone marrow failure, Telomere-related, 3. Last evaluated: 2024-06-23. Review status: criteria provided, single submitter. Criteria: Invitae Variant Classification Sherloc (09022015). Collection method: clinical testing. Allele origin: germline.
Comment: This sequence change replaces arginine, which is basic and polar, with tryptophan, which is neutral and slightly polar, at codon 132 of the RTEL1 protein (p.Arg132Trp). This variant is present in population databases (rs769533935, gnomAD 0.0009%). This variant has not been reported in the literature in individuals affected with RTEL1-related conditions. ClinVar contains an entry for this variant (Variation ID: 1355686). An algorithm developed to predict the effect of missense changes on protein structure and function (PolyPhen-2) suggests that this variant is likely to be disruptive. In summary, the available evidence is currently insufficient to determine the role of this variant in disease. Therefore, it has been classified as a Variant of Uncertain Significance.

Blueprint Genetics
Classification: Uncertain significance. Last evaluated: 2022-06-21. Review status: criteria provided, single submitter. Criteria: ACMG Guidelines, 2015. Collection method: clinical testing. Allele origin: germline.

Neuberg Centre For Genomic Medicine, NCGM
Classification: Uncertain significance for Dyskeratosis congenita, autosomal recessive 5. Review status: criteria provided, single submitter. Criteria: ACMG Guidelines, 2015. Collection method: clinical testing. Allele origin: germline. Inheritance: Autosomal dominant inheritance. Affected: yes.
Comment: The observed missense variant c.394C>T(p.Arg132Trp) in RTEL1 gene has not been reported previously as a pathogenic variant nor as a benign variant, to our knowledge. The c.394C>T variant is reported with 0.0004% allele frequency in gnomAD Exomes. This variant has been reported to the ClinVar database as Uncertain Significance. However, study on multiple affected individuals and functional impact of the variant is not available. The amino acid Arginine at position 132 is changed to a Tryptophan changing protein sequence and it might alter its composition and physico-chemical properties.Multiple lines of computational evidence (Polyphen, SIFT and MutationTaster) predict a damaging effect on protein structure and function for this variant. The amino acid change p.Arg132Trp in RTEL1 is predicted as conserved by GERP++ and PhyloP across 100 vertebrates. For these reasons, this variant has been classified as Uncertain Significance.

NM_001283009.2(RTEL1):c.394C>T (p.Arg132Trp)

Genes: RTEL1 (regulator of telomere elongation helicase 1; plus strand), RTEL1-TNFRSF6B (RTEL1-TNFRSF6B readthrough (NMD candidate); plus strand). Cytogenetic location: 20q13.33.
Variant type: single nucleotide variant.
Coding change: c.394C>T on transcript NM_001283009.2 (MANE Select); coding-DNA position 394, C replaced by T.
Protein change: p.Arg132Trp; replaces arginine 132 with tryptophan.
Molecular consequence: missense variant. On other transcripts: non-coding transcript variant (1), 5 prime UTR variant (1).
Genome position (GRCh38, 1-based): chr20:63,661,942, C>T. VCF-style: chr20-63661942-C-T. GRCh37 (hg19) VCF-style: chr20-62293295-C-T.
Other names: c.-276C>T (NM_001283010.1); c.394C>T, p.Arg132Trp (NM_016434.4); c.394C>T, p.Arg132Cys (NM_032957.5); short protein forms R132W, R132C.
Identifiers: ClinVar variation 1355686 (VCV001355686.9), dbSNP rs769533935, ClinGen allele CA9964194.